The following is an entry in ClinVar:

NM_018418.5(SPATA7):c.1222del (p.Met408fs)

Gene: SPATA7 (spermatogenesis associated 7; plus strand). Cytogenetic location: 14q31.3.
Variant type: Deletion.
Coding change: c.1222del on transcript NM_018418.5 (MANE Select); coding-DNA position 1222, one base deleted (A; older notation c.1222delA).
Protein change: p.Met408fs; shifts the reading frame from methionine 408.
Molecular consequence: frameshift variant.
Genome position (GRCh38, 1-based): chr14:88,437,844, A deleted; the last of 6 consecutive A bases (chr14:88,437,839-88,437,844); deleting any one gives the same sequence. VCF-style (leftmost placement, unchanged base first): chr14-88437838-GA-G. GRCh37 (hg19) VCF-style: chr14-88904182-GA-G.
Other names: c.1126del, p.Met376fs (NM_001040428.4); short protein forms M376fs, M408fs.
Identifiers: ClinVar variation 2942222 (VCV002942222.3), dbSNP rs2504297792, ClinGen allele CA2625997319.
Genomic context (GRCh38, chr14:88,437,838, plus strand): 5'-GCAGTCAAAATTTAATTTGACTCAATTAATGTAATTAGTCTCATCTTTTCTTAATCCTAG[GA>G]AAAAATGCGCCACCTGCTGCATGTCCTGAAAGTAGACTTAGGCTGCACATCGGAGGAAAA-3'

ClinVar aggregate classification (germline): Pathogenic (1 of 4 stars; one submission).

Conditions:
Leber congenital amaurosis 3 (LCA3). Also called: SPATA7-Related Retinitis Pigmentosa. Identifiers: MedGen C1858677, MONDO:0011415, OMIM 604232.

Submission:

Labcorp Genetics (formerly Invitae), Labcorp
Classification: Pathogenic for Leber congenital amaurosis 3. Last evaluated: 2022-12-11. Review status: criteria provided, single submitter. Criteria: Invitae Variant Classification Sherloc (09022015). Collection method: clinical testing. Allele origin: germline.
Comment: For these reasons, this variant has been classified as Pathogenic. This variant disrupts a region of the SPATA7 protein in which other variant(s) (p.Val458Glufs*48) have been determined to be pathogenic (PMID: 26854980). This suggests that this is a clinically significant region of the protein, and that variants that disrupt it are likely to be disease-causing. This variant has not been reported in the literature in individuals affected with SPATA7-related conditions. This variant is not present in population databases (gnomAD no frequency). This sequence change creates a premature translational stop signal (p.Met408Cysfs*8) in the SPATA7 gene. While this is not anticipated to result in nonsense mediated decay, it is expected to disrupt the last 192 amino acid(s) of the SPATA7 protein.

Literature cited by the submitters: PubMed 26854980.